The following is an entry in ClinVar:

ClinVar aggregate classification (germline): Uncertain significance (1 of 4 stars; one submission).

Submission:

Labcorp Genetics (formerly Invitae), Labcorp
Classification: Uncertain significance. Last evaluated: 2024-01-15. Review status: criteria provided, single submitter. Criteria: Invitae Variant Classification Sherloc (09022015). Collection method: clinical testing. Allele origin: germline.
Comment: This variant is a gross deletion of the genomic region encompassing exon(s) 3 of the GYPC gene. This variant would be expected to be in-frame, preserving the integrity of the reading frame. A similar copy number variant has been observed in individual(s) with Gerbich blood trait (PMID: 1991173, 28272739). In summary, the available evidence is currently insufficient to determine the role of this variant in disease. Therefore, it has been classified as a Variant of Uncertain Significance.

Literature cited by the submitters: PubMed 1991173; PubMed 28272739.

NC_000002.11:g.(?_127451420)_(127451543_?)del

Gene: GYPC (glycophorin C (Gerbich blood group); plus strand). Cytogenetic location: 2q14.3.
Variant type: Deletion.
Identifiers: ClinVar variation 2424355 (VCV002424355.4).